The following is an entry in ClinVar:

ClinVar aggregate classification (germline): Benign/Likely benign. Review status: criteria provided, multiple submitters, no conflicts (2 of 4 stars). 4 submissions from 4 submitters: Benign (2); Likely benign (2). Last evaluated 2026-01-26.

Conditions:
Jeune thoracic dystrophy. Also called: Jeune syndrome; Infantile thoracic dystrophy; Thoracic pelvic phalangeal dystrophy; Jeune's syndrome; Chondroectodermal dysplasia-like syndrome; Short-rib thoracic dysplasia. Identifiers: Orphanet 474, MedGen C0265275, MONDO:0018770.
Asphyxiating thoracic dystrophy 3. Also called: POLYDACTYLY WITH NEONATAL CHONDRODYSTROPHY, TYPE I; Short rib polydactyly syndrome 2B; Saldino-Noonan Syndrome; SHORT-RIB THORACIC DYSPLASIA 3/6 WITH POLYDACTYLY, DIGENIC; SHORT-RIB THORACIC DYSPLASIA 3 WITH OR WITHOUT POLYDACTYLY. Identifiers: Orphanet 474, Orphanet 93269, Orphanet 93270, Orphanet 93271, MedGen C0036069, MONDO:0013127, OMIM 613091.

Allele frequency attached by ClinVar (database versions not stated): gnomAD exomes 0.00039 and 0.00110; ExAC 0.00200; gnomAD 0.00422 and 0.00460; ESP Exome Variant Server 0.00450; 1000 Genomes Project 0.00459; 1000 Genomes Project 30x 0.00468; TOPMed 0.00478.
gnomAD v4.1: 1,218 of 1,596,704 alleles (0.076%); highest among the groups gnomAD compares: African/African-American, 1.5%; 11 homozygotes.

Submissions (4):

Labcorp Genetics (formerly Invitae), Labcorp
Classification: Benign for Jeune thoracic dystrophy. Last evaluated: 2026-01-26. Review status: criteria provided, single submitter. Criteria: Invitae Variant Classification Sherloc (09022015). Collection method: clinical testing. Allele origin: germline.

ARUP Laboratories, Molecular Genetics and Genomics, ARUP Laboratories
Classification: Benign for Asphyxiating thoracic dystrophy 3. Last evaluated: 2025-06-11. Review status: criteria provided, single submitter. Criteria: ARUP Molecular Germline Variant Investigation Process 2024. Collection method: clinical testing. Allele origin: germline.

Blueprint Genetics
Classification: Likely benign. Last evaluated: 2024-10-09. Review status: criteria provided, single submitter. Criteria: ACMG Guidelines, 2015. Collection method: clinical testing. Allele origin: germline.

GeneDx
Classification: Likely benign. Last evaluated: 2017-07-03. Review status: criteria provided, single submitter. Criteria: GeneDx Variant Classification (06012015). Collection method: clinical testing. Allele origin: germline. Affected: yes.
Comment: This variant is considered likely benign or benign based on one or more of the following criteria: it is a conservative change, it occurs at a poorly conserved position in the protein, it is predicted to be benign by multiple in silico algorithms, and/or has population frequency not consistent with disease.

NM_001377.3(DYNC2H1):c.6477+14A>T

Gene: DYNC2H1 (dynein cytoplasmic 2 heavy chain 1; plus strand). Cytogenetic location: 11q22.3.
Variant type: single nucleotide variant.
Coding change: c.6477+14A>T on transcript NM_001377.3 (MANE Select); 14 bases into the intron after coding-DNA position 6477, A replaced by T.
Molecular consequence: intron variant.
Genome position (GRCh38, 1-based): chr11:103,181,900, A>T. VCF-style: chr11-103181900-A-T. GRCh37 (hg19) VCF-style: chr11-103052629-A-T.
Other names: c.6477+14A>T (NM_001080463.2).
Identifiers: ClinVar variation 506322 (VCV000506322.13), dbSNP rs111970770, ClinGen allele CA6253975.
Genomic context (GRCh38, chr11:103,181,900, plus strand): 5'-GGATTGGAGATTATTTTGAAAAGGCTTTACAATGGGTTCTAAAGCAGGTAAATTAACCAT[A>T]ATATTTCATAATTAATCGAGGTGAGAAGTATGATTAAGAGTGATGCTTATTTTAACTTCC-3'